The following is an entry in ClinVar:

ClinVar aggregate classification (germline): Uncertain significance. Review status: criteria provided, multiple submitters, no conflicts (2 of 4 stars). 2 submissions from 2 submitters: Uncertain significance (2). Last evaluated 2025-01-01.

Allele frequency attached by ClinVar (database versions not stated): gnomAD 0.00001; ExAC 0.00002; gnomAD exomes 0.00003.
gnomAD v4.1: 17 of 1,613,938 alleles (0.0011%); highest among the groups gnomAD compares: South Asian, 0.019%; no homozygotes.

Submissions (2):

CeGaT Center for Human Genetics Tuebingen
Classification: Uncertain significance. Last evaluated: 2025-01-01. Review status: criteria provided, single submitter. Criteria: CeGaT Center For Human Genetics Tuebingen Variant Classification Criteria Version 2. Collection method: clinical testing. Allele origin: germline. Affected: yes. Observed: 1 variant allele.
Comment: ASTN1: PP2

Ambry Genetics
Classification: Uncertain significance. Last evaluated: 2022-02-10. Review status: criteria provided, single submitter. Criteria: Ambry Variant Classification Scheme 2023. Collection method: clinical testing. Allele origin: germline.

NM_004319.3(ASTN1):c.1255C>A (p.His419Asn)

Gene: ASTN1 (astrotactin 1; minus strand). Cytogenetic location: 1q25.2.
Variant type: single nucleotide variant.
Coding change: c.1255C>A on transcript NM_004319.3 (MANE Select); coding-DNA position 1255, C replaced by A.
Protein change: p.His419Asn; replaces histidine 419 with asparagine.
Molecular consequence: missense variant.
Genome position (GRCh38, 1-based): chr1:177,024,598, G>T on the plus strand (C>A on the coding strand, the complement: ASTN1 is on the minus strand). VCF-style: chr1-177024598-G-T. GRCh37 (hg19) VCF-style: chr1-176993734-G-T.
Other names: c.1255C>A, p.His419Asn (NM_001286164.2, NM_001364856.2, NM_207108.3); short protein forms H419N.
Identifiers: ClinVar variation 2379780 (VCV002379780.15), dbSNP rs758518322, ClinGen allele CA1259241.
Genomic context (GRCh38, chr1:177,024,598, plus strand): 5'-TCCTTTTTGGGGGGCAAGGTCGCATCCTCAGAAGAACAGGCTCACCATCAGCAATCAGGT[G>T]CTCAGGGACATGCAGGGTGATCTTGACAACGAGAGGGCAGTTGACGTGAGAGGAGCACAC-3'
Protein context (NP_004310.1, residues 409-429): VVKITLHVPE[His419Asn]LIADGSRFIL